The following is an entry in ClinVar:

ClinVar aggregate classification (germline): Uncertain significance. Review status: criteria provided, multiple submitters, no conflicts (2 of 4 stars). 2 submissions from 2 submitters: Uncertain significance (2). Last evaluated 2022-10-14.

Allele frequency attached by ClinVar (database versions not stated): 1000 Genomes Project 30x 0.00031.
gnomAD v4.1: 4 of 152,834 alleles (0.0026%); highest among the groups gnomAD compares: South Asian, 0.061%; no homozygotes.

Submissions (2):

Women's Health and Genetics/Laboratory Corporation of America, LabCorp
Classification: Uncertain significance. Last evaluated: 2022-10-14. Review status: criteria provided, single submitter. Criteria: LabCorp Variant Classification Summary - May 2015. Collection method: clinical testing. Allele origin: germline.
Comment: Variant summary: GJB2 c.-169C>G is located in the untranslated mRNA region upstream of the initiation codon. The variant allele was found at a frequency of 6.4e-05 in 31268 control chromosomes. The available data on variant occurrences in the general population are insufficient to allow any conclusion about variant significance. To our knowledge, no occurrence of c.-169C>G in individuals affected with Non-Syndromic Hearing Loss and no experimental evidence demonstrating its impact on protein function have been reported. No clinical diagnostic laboratories have submitted clinical-significance assessments for this variant to ClinVar after 2014. Based on the evidence outlined above, the variant was classified as uncertain significance.

Athena Diagnostics
Classification: Uncertain significance. Last evaluated: 2021-08-17. Review status: criteria provided, single submitter. Criteria: Athena Diagnostics Criteria. Collection method: clinical testing. Allele origin: unknown.

NM_004004.6(GJB2):c.-169C>G

Gene: GJB2 (gap junction protein beta 2; minus strand). Cytogenetic location: 13q12.11.
Variant type: single nucleotide variant.
Coding change: c.-169C>G on transcript NM_004004.6 (MANE Select); 169 bases upstream of the start codon, C replaced by G.
Molecular consequence: 5 prime UTR variant.
Genome position (GRCh38, 1-based): chr13:20,192,929, G>C on the plus strand (C>G on the coding strand, the complement: GJB2 is on the minus strand). VCF-style: chr13-20192929-G-C. GRCh37 (hg19) VCF-style: chr13-20767068-G-C.
Identifiers: ClinVar variation 1723319 (VCV001723319.2), dbSNP rs1490936918, ClinGen allele CA608563262.
Genomic context (GRCh38, chr13:20,192,929, plus strand): 5'-TCCTGGGCCGGGCGCCGCCGAGGGGCTCCGAGTCGGGGAGAGGAGCGCGCGGGCGCTGCG[G>C]GGCCGCAACACCTGTCTCCCGCCGTGGCGCCTTTTAACCGCACCCCACACCCCGCCTCTT-3'